The following is an entry in ClinVar:

NM_001040108.2(MLH3):c.2903C>T (p.Thr968Ile)

Gene: MLH3 (mutL homolog 3; minus strand). Cytogenetic location: 14q24.3.
Variant type: single nucleotide variant.
Coding change: c.2903C>T on transcript NM_001040108.2 (MANE Select); coding-DNA position 2903, C replaced by T.
Protein change: p.Thr968Ile; replaces threonine 968 with isoleucine.
Molecular consequence: missense variant.
Genome position (GRCh38, 1-based): chr14:75,046,753, G>A on the plus strand (C>T on the coding strand, the complement: MLH3 is on the minus strand). VCF-style: chr14-75046753-G-A. GRCh37 (hg19) VCF-style: chr14-75513456-G-A.
Other names: c.2903C>T, p.Thr968Ile (NM_014381.3); short protein forms T968I.
Identifiers: ClinVar variation 478031 (VCV000478031.13), dbSNP rs769450598, ClinGen allele CA7275622.

ClinVar aggregate classification (germline): Uncertain significance. Review status: criteria provided, multiple submitters, no conflicts (2 of 4 stars). 2 submissions from 2 submitters: Uncertain significance (2). Last evaluated 2025-07-07.

Conditions:
Colorectal cancer, hereditary nonpolyposis, type 7. Identifiers: Orphanet 144, MedGen C1858380, MONDO:0013725, OMIM 614385.

Allele frequency attached by ClinVar (database versions not stated): gnomAD exomes below 0.00001 and 0.00001; TOPMed below 0.00001; ExAC 0.00001; gnomAD 0.00001.
gnomAD v4.1: 4 of 1,613,998 alleles (0.00025%); highest among the groups gnomAD compares: African/African-American, 0.0013%; no homozygotes.

Submissions (2):

Ambry Genetics
Classification: Uncertain significance. Last evaluated: 2025-07-07. Review status: criteria provided, single submitter. Criteria: Ambry Variant Classification Scheme 2023. Collection method: clinical testing. Allele origin: germline.
Comment: The p.T968I variant (also known as c.2903C>T), located in coding exon 1 of the MLH3 gene, results from a C to T substitution at nucleotide position 2903. The threonine at codon 968 is replaced by isoleucine, an amino acid with similar properties. This amino acid position is well conserved in available vertebrate species. In addition, this alteration is predicted to be tolerated by in silico analysis. Since supporting evidence is limited at this time, the clinical significance of this alteration remains unclear.

Labcorp Genetics (formerly Invitae), Labcorp
Classification: Uncertain significance for Colorectal cancer, hereditary nonpolyposis, type 7. Last evaluated: 2024-11-27. Review status: criteria provided, single submitter. Criteria: Invitae Variant Classification Sherloc (09022015). Collection method: clinical testing. Allele origin: germline.
Comment: This sequence change replaces threonine, which is neutral and polar, with isoleucine, which is neutral and non-polar, at codon 968 of the MLH3 protein (p.Thr968Ile). This variant is present in population databases (rs769450598, gnomAD 0.004%). This variant has not been reported in the literature in individuals affected with MLH3-related conditions. ClinVar contains an entry for this variant (Variation ID: 478031). An algorithm developed to predict the effect of missense changes on protein structure and function (PolyPhen-2) suggests that this variant is likely to be tolerated. In summary, the available evidence is currently insufficient to determine the role of this variant in disease. Therefore, it has been classified as a Variant of Uncertain Significance.